The following is an entry in ClinVar:

ClinVar aggregate classification (germline): Pathogenic. Review status: reviewed by expert panel (3 of 4 stars). 12 submissions from 12 submitters: Pathogenic (1). 11 of the submissions do not count toward it. Last evaluated 2013-09-05.

Conditions:
PMS2-related disorder. Also called: PMS2-related condition.
Hereditary nonpolyposis colon cancer (HNPCC). Also called: Hereditary nonpolyposis colorectal cancer; Familial nonpolyposis colon cancer; Hereditary Nonpolyposis Colorectal Cancer Syndrome. Identifiers: Orphanet 443909, MedGen C1333990, MONDO:0018630. Disease mechanism: loss of function.
Hereditary cancer-predisposing syndrome. Also called: Tumor predisposition; Hereditary Cancer Syndrome; Hereditary neoplastic syndrome; Neoplastic Syndromes, Hereditary. Identifiers: Orphanet 140162, MedGen C0027672, MeSH D009386, MONDO:0015356.
Lynch syndrome. Identifiers: Orphanet 144, MedGen C4552100, MONDO:0005835. Disease mechanism: loss of function.
Lynch syndrome 4 (LYNCH4). Also called: Colorectal cancer, hereditary nonpolyposis, type 4; Hereditary non-polyposis colorectal cancer, type 4. Identifiers: Orphanet 144, MedGen C1838333, MONDO:0013699, OMIM 614337. Disease mechanism: loss of function.
Hereditary nonpolyposis colorectal neoplasms. Identifiers: MedGen C0009405, MeSH D003123.

Submissions (12):

International Society for Gastrointestinal Hereditary Tumours (InSiGHT)
Classification: Pathogenic for Lynch Syndrome. Last evaluated: 2013-09-05. Review status: reviewed by expert panel. Criteria: Guidelines v1.9. Collection method: research. Allele origin: germline.
Comment: Coding sequence variation resulting in a stop codon

Classified with v1.9 guidelines

Labcorp Genetics (formerly Invitae), Labcorp
Classification: Pathogenic for Hereditary nonpolyposis colorectal neoplasms. Last evaluated: 2026-01-25. Review status: criteria provided, single submitter. Criteria: Invitae Variant Classification Sherloc (09022015). Collection method: clinical testing. Allele origin: germline. Not counted in ClinVar's aggregate classification.
Comment: This sequence change creates a premature translational stop signal (p.Gln288Valfs*10) in the PMS2 gene. It is expected to result in an absent or disrupted protein product. Loss-of-function variants in PMS2 are known to be pathogenic (PMID: 21376568, 24362816). This variant is not present in population databases (gnomAD no frequency). This premature translational stop signal has been observed in individual(s) with Lynch syndrome (PMID: 16619239, 18602922). Invitae Evidence Modeling of clinical and family history, age, sex, and reported ancestry of multiple individuals with this PMS2 variant has been performed. This variant is expected to be pathogenic with a positive predictive value of at least 99%. This is a validated machine learning model that incorporates the clinical features of 1,627,235 individuals referred to our laboratory for PMS2 testing. ClinVar contains an entry for this variant (Variation ID: 91376). RNA analysis performed to evaluate the impact of this premature translational stop signal on mRNA splicing indicates it does not significantly alter splicing (internal data). For these reasons, this variant has been classified as Pathogenic.

Quest Diagnostics Nichols Institute San Juan Capistrano
Classification: Pathogenic. Last evaluated: 2024-11-11. Review status: criteria provided, single submitter. Criteria: Quest Diagnostics criteria. Collection method: clinical testing. Allele origin: unknown. Not counted in ClinVar's aggregate classification.
Comment: The PMS2 c.862_863del (p.Gln288Valfs*10) variant alters the translational reading frame of the PMS2 mRNA and causes the premature termination of PMS2 protein synthesis. This variant has been reported in the published literature in individuals with suspected Lynch syndrome (PMID: 16619239 (2006)), ovarian cancer (PMID: 28888541 (2017)), and colorectal cancer (PMID: 18602922 (2008)). This variant has not been reported in large, multi-ethnic general populations (Genome Aggregation Database). Based on the available information, this variant is classified as pathogenic.

All of Us Research Program, National Institutes of Health
Classification: Pathogenic for Lynch syndrome. Last evaluated: 2024-02-05. Review status: criteria provided, single submitter. Criteria: ACMG Guidelines, 2015. Collection method: clinical testing. Allele origin: germline. Inheritance: Autosomal dominant inheritance. Observed: 1 variant allele, 1 heterozygote. Not counted in ClinVar's aggregate classification.
Comment: This variant deletes 2 nucleotides in exon 8 of the PMS2 gene, creating a frameshift and premature translation stop signal. This variant is expected to result in an absent or non-functional protein product. This variant has been reported in an individual affected with colorectal cancer, whose tumor demonstrated microsatellite instability and loss of PMS2 protein via immunohistochemistry analysis (PMID: 16619239). This variant has not been identified in the general population by the Genome Aggregation Database (gnomAD). Loss of PMS2 function is a known mechanism of disease. Based on the available evidence, this variant is classified as Pathogenic.

This study involves interpretation of variants in research participants for the purpose of population health screening. Participant phenotype was not available at the time of variant classification. Additional details can be found in publication PMID: 35346344, PMCID: PMC8962531

GeneDx
Classification: Pathogenic. Last evaluated: 2023-11-09. Review status: criteria provided, single submitter. Criteria: GeneDx Variant Classification Process June 2021. Collection method: clinical testing. Allele origin: germline. Affected: yes. Not counted in ClinVar's aggregate classification.
Comment: Frameshift variant predicted to result in protein truncation or nonsense mediated decay in a gene for which loss of function is a known mechanism of disease; Observed in individuals with a personal or family history consistent with pathogenic variants in this gene (PMID: 16619239, 18602922, 28514183); Not observed at significant frequency in large population cohorts (gnomAD); Truncating variants in this gene are considered pathogenic by a well-established clinical consortium and/or database; This variant is associated with the following publications: (PMID: 30787465, 28514183, 28888541, 27435373, 18602922, 16619239, 36644715)

Color Diagnostics, LLC DBA Color Health
Classification: Pathogenic for Hereditary cancer-predisposing syndrome. Last evaluated: 2023-10-18. Review status: criteria provided, single submitter. Criteria: ACMG Guidelines, 2015. Collection method: clinical testing. Allele origin: germline. Not counted in ClinVar's aggregate classification.
Comment: This variant deletes 2 nucleotides in exon 8 of the PMS2 gene, creating a frameshift and premature translation stop signal. This variant is expected to result in an absent or non-functional protein product. This variant has been reported in an individual affected with colorectal cancer, whose tumor demonstrated microsatellite instability and loss of PMS2 protein via immunohistochemistry analysis (PMID: 16619239). This variant has not been identified in the general population by the Genome Aggregation Database (gnomAD). Loss of PMS2 function is a known mechanism of disease. Based on the available evidence, this variant is classified as Pathogenic.

Baylor Genetics
Classification: Pathogenic for Lynch syndrome 4. Last evaluated: 2023-07-07. Review status: criteria provided, single submitter. Criteria: ACMG Guidelines, 2015. Collection method: clinical testing. Allele origin: unknown. Not counted in ClinVar's aggregate classification.

Myriad Genetics, Inc.
Classification: Pathogenic for Lynch syndrome 4. Last evaluated: 2023-04-05. Review status: criteria provided, single submitter. Criteria: Myriad Autosomal Dominant, Autosomal Recessive and X-Linked Classification Criteria (2023). Collection method: clinical testing. Allele origin: unknown. Not counted in ClinVar's aggregate classification.
Comment: This variant is considered pathogenic. This variant creates a frameshift predicted to result in premature protein truncation.

Ambry Genetics
Classification: Pathogenic for Hereditary cancer-predisposing syndrome. Last evaluated: 2023-01-23. Review status: criteria provided, single submitter. Criteria: Ambry Variant Classification Scheme 2023. Collection method: clinical testing. Allele origin: germline. Not counted in ClinVar's aggregate classification.
Comment: The c.862_863delCA pathogenic mutation, located in coding exon 8 of the PMS2 gene, results from a deletion of two nucleotides at nucleotide positions 862 to 863, causing a translational frameshift with a predicted alternate stop codon (p.Q288Vfs*10). This variant is considered to be rare based on population cohorts in the Genome Aggregation Database (gnomAD). In addition to the clinical data presented in the literature, this alteration is expected to result in loss of function by premature protein truncation or nonsense-mediated mRNA decay. As such, this alteration is interpreted as a disease-causing mutation.

Women's Health and Genetics/Laboratory Corporation of America, LabCorp
Classification: Pathogenic for Hereditary nonpolyposis colon cancer. Last evaluated: 2020-08-07. Review status: criteria provided, single submitter. Criteria: LabCorp Variant Classification Summary - May 2015. Collection method: clinical testing. Allele origin: germline. Not counted in ClinVar's aggregate classification.
Comment: Variant summary: PMS2 c.862_863delCA (p.Gln288ValfsX10) results in a premature termination codon, predicted to cause a truncation of the encoded protein or absence of the protein due to nonsense mediated decay, which are commonly known mechanisms for disease. The variant was absent in 251446 control chromosomes (gnomAD). c.862_863delCA has been reported in the literature in individuals affected with Hereditary Nonpolyposis Colorectal Cancer (Clendenning_2006, Espenschied_2017, Senter_2008). These data indicate that the variant may be associated with disease. To our knowledge, no experimental evidence demonstrating an impact on protein function has been reported. Five ClinVar submitters (evaluation after 2014) cite the variant as pathogenic. Based on the evidence outlined above, the variant was classified as pathogenic.

PreventionGenetics, part of Exact Sciences
Classification: Pathogenic for PMS2-related condition. Last evaluated: 2024-02-01. Review status: no assertion criteria provided. Collection method: clinical testing. Allele origin: germline. Not counted in ClinVar's aggregate classification.
Comment: The PMS2 c.862_863delCA variant is predicted to result in a frameshift and premature protein termination (p.Gln288Valfs*10). This variant was reported in an individual with Lynch syndrome (Clendenning et al 2006. PubMed ID: 16619239). This variant has not been reported in a large population database, indicating this variant is rare. Frameshift variants in PMS2 are expected to be pathogenic. This variant is listed in ClinVar as pathogenic. This variant is interpreted as pathogenic.

Counsyl
Classification: Pathogenic for Lynch syndrome 4. Last evaluated: 2016-05-13. Review status: no assertion criteria provided. Collection method: clinical testing. Allele origin: unknown. Not counted in ClinVar's aggregate classification.

Literature cited by the submitters: PubMed 21376568 (cited by Labcorp Genetics (formerly Invitae), Labcorp); PubMed 24362816 (cited by Labcorp Genetics (formerly Invitae), Labcorp and Ambry Genetics); PubMed 16619239 (cited by 7 submitters); PubMed 18602922 (cited by 3 submitters); PubMed 28888541 (cited by Quest Diagnostics Nichols Institute San Juan Capistrano); PubMed 30787465 (cited by Quest Diagnostics Nichols Institute San Juan Capistrano); PubMed 28514183 (cited by Women's Health and Genetics/Laboratory Corporation of America, LabCorp).

NM_000535.7(PMS2):c.862_863del (p.Gln288fs)

Gene: PMS2 (PMS1 homolog 2, mismatch repair system component; minus strand). Cytogenetic location: 7p22.1.
Variant type: Deletion.
Coding change: c.862_863del on transcript NM_000535.7 (MANE Select); coding-DNA positions 862 to 863, 2 bases deleted (CA; older notation c.862_863delCA).
Protein change: p.Gln288fs; shifts the reading frame from glutamine 288.
Molecular consequence: frameshift variant. On other transcripts: 5 prime UTR variant (2), non-coding transcript variant (1).
Genome position (GRCh38, 1-based): chr7:5,995,574-5,995,575, TG deleted on the plus strand (CA on the coding strand, the reverse complement: PMS2 is on the minus strand); deleting any 2 consecutive bases within chr7:5,995,574-5,995,576 gives the same sequence; the c. name uses the placement nearest the transcript's 3' end. VCF-style (leftmost placement, unchanged base first): chr7-5995573-CTG-C. GRCh37 (hg19) VCF-style: chr7-6035204-CTG-C.
Other names: c.457_458del, p.Gln153fs (NM_001322003.2, NM_001322004.2, NM_001322005.2 and 2 more transcripts); c.862_863del, p.Gln288fs (NM_001322006.2, NM_001322014.2); c.544_545del, p.Gln182fs (NM_001322007.2, NM_001322008.2); c.-72_-71del (NM_001322011.2, NM_001322012.2); c.289_290del, p.Gln97fs (NM_001322013.2); c.553_554del, p.Gln185fs (NM_001322015.2); c.862_863delCA (NM_000535.6); short protein forms Q288fs, Q182fs, Q153fs, Q185fs, Q97fs.
Identifiers: ClinVar variation 91376 (VCV000091376.34), dbSNP rs63750246, ClinGen allele CA013065.
Genomic context (GRCh38, chr7:5,995,573, plus strand): 5'-ACACAAAAAAATTTTAAATACCTTTGCTGGGTCACAAGGCCGCCGGTTGATAAAGAAAAA[CTG>C]TCTGTCTGTTGAACTCCTTCCAACTCCATGCGTGCATTGTGAAATGAAACCTGAGATGCT-3'